The following is an entry in ClinVar:

ClinVar aggregate classification (germline): Benign/Likely benign. Review status: criteria provided, multiple submitters, no conflicts (2 of 4 stars). 12 submissions from 8 submitters: Benign (7); Likely benign (5). Last evaluated 2026-01-11.

Conditions:
Dystonia 9 (DYT9). Also called: CHOREOATHETOSIS, KINESIGENIC, WITH EPISODIC ATAXIA AND SPASTICITY. Identifiers: Orphanet 53583, MedGen C1832855, MONDO:0010983, OMIM 601042.
Epilepsy, idiopathic generalized, susceptibility to, 12 (EIG12). Identifiers: MedGen C3553859, MONDO:0013919, OMIM 614847.
Hereditary cryohydrocytosis with reduced stomatin. Also called: Stomatin-deficient cryohydrocytosis with neurologic defects; GLUT1 DEFICIENCY SYNDROME WITH PSEUDOHYPERKALEMIA AND HEMOLYSIS. Identifiers: Orphanet 168577, MedGen C1837206, MONDO:0012143, OMIM 608885.
Encephalopathy due to GLUT1 deficiency. Also called: GLUCOSE TRANSPORT DEFECT, BLOOD-BRAIN BARRIER; Glucose transporter protein syndrome; De Vivo disease; GLUT1 deficiency syndrome 1; GLUT1 deficiency syndrome 1, infantile onset, severe; Classic Glucose Transporter Type 1 Deficiency Syndrome. Identifiers: Orphanet 71277, MedGen C4551966, MONDO:0011724, OMIM 606777.
GLUT1 deficiency syndrome 1, autosomal recessive. Identifiers: MedGen C3149117.
Childhood onset GLUT1 deficiency syndrome 2. Also called: PAROXYSMAL EXERCISE-INDUCED DYSKINESIA WITH OR WITHOUT EPILEPSY AND/OR HEMOLYTIC ANEMIA; PAROXYSMAL EXERTION-INDUCED DYSTONIA WITH OR WITHOUT EPILEPSY AND/OR HEMOLYTIC ANEMIA; PED WITH OR WITHOUT EPILEPSY AND/OR HEMOLYTIC ANEMIA; Paroxysmal exercise-induced dystonia; GLUT1 deficiency syndrome 2; PxMD-SLC2A1. Identifiers: Orphanet 98811, MedGen C1842534, MONDO:0012805, OMIM 612126.

Allele frequency attached by ClinVar (database versions not stated): gnomAD 0.00006; ESP Exome Variant Server 0.00008; gnomAD exomes 0.00008; TOPMed 0.00008; ExAC 0.00013.
gnomAD v4.1: 119 of 1,610,160 alleles (0.0074%); highest among the groups gnomAD compares: Middle Eastern, 0.049%; no homozygotes.

Submissions (12):

Labcorp Genetics (formerly Invitae), Labcorp
Classification: Likely benign for GLUT1 deficiency syndrome 1, autosomal recessive. Last evaluated: 2026-01-11. Review status: criteria provided, single submitter. Criteria: Invitae Variant Classification Sherloc (09022015). Collection method: clinical testing. Allele origin: germline.

Blueprint Genetics
Classification: Likely benign. Last evaluated: 2024-11-05. Review status: criteria provided, single submitter. Criteria: ACMG Guidelines, 2015. Collection method: clinical testing. Allele origin: germline.

CeGaT Center for Human Genetics Tuebingen
Classification: Likely benign. Last evaluated: 2023-10-01. Review status: criteria provided, single submitter. Criteria: CeGaT Center For Human Genetics Tuebingen Variant Classification Criteria Version 2. Collection method: clinical testing. Allele origin: germline. Affected: yes. Observed: 2 variant alleles.
Comment: SLC2A1: PM2, BP4, BP5, BS2

Genome-Nilou Lab
Classification: Benign for Epilepsy, idiopathic generalized, susceptibility to, 12. Last evaluated: 2023-04-11. Review status: criteria provided, single submitter. Criteria: ACMG Guidelines, 2015. Collection method: clinical testing. Allele origin: germline. Affected: no.

Genome-Nilou Lab
Classification: Benign for Dystonia 9. Last evaluated: 2023-04-11. Review status: criteria provided, single submitter. Criteria: ACMG Guidelines, 2015. Collection method: clinical testing. Allele origin: germline. Affected: no.

Genome-Nilou Lab
Classification: Benign for Encephalopathy due to GLUT1 deficiency. Last evaluated: 2023-04-11. Review status: criteria provided, single submitter. Criteria: ACMG Guidelines, 2015. Collection method: clinical testing. Allele origin: germline. Affected: no.

Genome-Nilou Lab
Classification: Benign for Childhood onset GLUT1 deficiency syndrome 2. Last evaluated: 2023-04-11. Review status: criteria provided, single submitter. Criteria: ACMG Guidelines, 2015. Collection method: clinical testing. Allele origin: germline. Affected: no.

Genome-Nilou Lab
Classification: Benign for Hereditary cryohydrocytosis with reduced stomatin. Last evaluated: 2023-04-11. Review status: criteria provided, single submitter. Criteria: ACMG Guidelines, 2015. Collection method: clinical testing. Allele origin: germline. Affected: no.

Athena Diagnostics
Classification: Benign. Last evaluated: 2021-03-16. Review status: criteria provided, single submitter. Criteria: Athena Diagnostics criteria. Collection method: clinical testing. Allele origin: unknown.

Centre for Mendelian Genomics, University Medical Centre Ljubljana
Classification: Benign for Epilepsy, idiopathic generalized, susceptibility to, 12. Last evaluated: 2018-10-24. Review status: criteria provided, single submitter. Criteria: ACMG Guidelines, 2015. Collection method: clinical testing. Allele origin: unknown. Affected: yes.
Comment: This variant was classified as: Benign. The following ACMG criteria were applied in classifying this variant: BS1,BS2.

GeneDx
Classification: Likely benign. Last evaluated: 2018-04-05. Review status: criteria provided, single submitter. Criteria: GeneDx Variant Classification (06012015). Collection method: clinical testing. Allele origin: germline. Affected: yes.
Comment: This variant is considered likely benign or benign based on one or more of the following criteria: it is a conservative change, it occurs at a poorly conserved position in the protein, it is predicted to be benign by multiple in silico algorithms, and/or has population frequency not consistent with disease.

Genetic Services Laboratory, University of Chicago
Classification: Likely benign. Last evaluated: 2017-12-19. Review status: criteria provided, single submitter. Criteria: ACMG Guidelines, 2015. Collection method: clinical testing. Allele origin: germline. Affected: no.

NM_006516.4(SLC2A1):c.19-5C>T

Gene: SLC2A1 (solute carrier family 2 member 1; minus strand). Cytogenetic location: 1p34.2.
Variant type: single nucleotide variant.
Coding change: c.19-5C>T on transcript NM_006516.4 (MANE Select); 5 bases into the intron before coding-DNA position 19, C replaced by T.
Molecular consequence: intron variant.
Genome position (GRCh38, 1-based): chr1:42,943,326, G>A on the plus strand (C>T on the coding strand, the complement: SLC2A1 is on the minus strand). VCF-style: chr1-42943326-G-A. GRCh37 (hg19) VCF-style: chr1-43408997-G-A.
Identifiers: ClinVar variation 538683 (VCV000538683.63), dbSNP rs376653618, ClinGen allele CA803640.